The following is an entry in ClinVar:

NM_002439.5(MSH3):c.1737G>A (p.Trp579Ter)

Gene: MSH3 (mutS homolog 3; plus strand). Cytogenetic location: 5q14.1.
Variant type: single nucleotide variant.
Coding change: c.1737G>A on transcript NM_002439.5 (MANE Select); coding-DNA position 1737, G replaced by A.
Protein change: p.Trp579Ter; replaces tryptophan 579 with a stop codon.
Molecular consequence: nonsense.
Genome position (GRCh38, 1-based): chr5:80,744,589, G>A. VCF-style: chr5-80744589-G-A. GRCh37 (hg19) VCF-style: chr5-80040408-G-A.
Other names: short protein forms W579*.
Identifiers: ClinVar variation 3874942 (VCV003874942.1).

ClinVar aggregate classification (germline): Pathogenic (1 of 4 stars; one submission).

Conditions:
Hereditary cancer-predisposing syndrome. Also called: Tumor predisposition; Neoplastic Syndromes, Hereditary; Hereditary Cancer Syndrome; Hereditary neoplastic syndrome. Identifiers: Orphanet 140162, MedGen C0027672, MeSH D009386, MONDO:0015356.

gnomAD v4.1: 1 of 1,613,286 alleles (0.000062%); highest among the groups gnomAD compares: Non-Finnish European, 0.000085%; no homozygotes.

Submission:

Ambry Genetics
Classification: Pathogenic for Hereditary cancer-predisposing syndrome. Last evaluated: 2025-02-28. Review status: criteria provided, single submitter. Criteria: Ambry Variant Classification Scheme 2023. Collection method: clinical testing. Allele origin: germline.
Comment: The p.W579* pathogenic mutation (also known as c.1737G>A), located in coding exon 12 of the MSH3 gene, results from a G to A substitution at nucleotide position 1737. This changes the amino acid from a tryptophan to a stop codon within coding exon 12. This variant is considered to be rare based on population cohorts in the Genome Aggregation Database (gnomAD). This alteration is expected to result in loss of function by premature protein truncation or nonsense-mediated mRNA decay. As such, this alteration is interpreted as a disease-causing mutation.